The following is an entry in ClinVar:

NM_002529.4(NTRK1):c.288C>A (p.Leu96=)

Gene: NTRK1 (neurotrophic receptor tyrosine kinase 1; plus strand). Cytogenetic location: 1q23.1.
Variant type: single nucleotide variant.
Coding change: c.288C>A on transcript NM_002529.4 (MANE Select); coding-DNA position 288, C replaced by A.
Protein change: p.Leu96=; no amino-acid change (leucine 96 retained).
Molecular consequence: synonymous variant.
Genome position (GRCh38, 1-based): chr1:156,864,728, C>A. VCF-style: chr1-156864728-C-A. GRCh37 (hg19) VCF-style: chr1-156834520-C-A.
Other names: c.288C>A, p.Leu96= (NM_001007204.1, NM_001012331.2); c.198C>A, p.Leu66= (NM_001007792.1).
Identifiers: ClinVar variation 2188896 (VCV002188896.1), dbSNP rs777518927, ClinGen allele CA1168902.
Genomic context (GRCh38, chr1:156,864,728, plus strand): 5'-AGGGCCAGGGGCCCAGAGTAGCTGAGACCTGGGGACTGATCCTCCTGCACCCCTCCCCAG[C>A]ACCATCGTGAAGAGTGGTCTCCGTTTCGTGGCGCCAGATGCCTTCCATTTCACTCCTCGG-3'
Protein context (NP_002520.2, residues 86-106): DLRGLGELRN[Leu96=]TIVKSGLRFV

ClinVar aggregate classification (germline): Uncertain significance (1 of 4 stars; one submission).

Conditions:
Hereditary insensitivity to pain with anhidrosis (CIPA). Also called: hereditary sensory and autonomic neuropathy type 4; HSAN Type IV; FAMILIAL DYSAUTONOMIA, TYPE II; NEUROPATHY, CONGENITAL SENSORY, WITH ANHIDROSIS; NTRK1 Congenital Insensitivity to Pain with Anhidrosis; INSENSITIVITY TO PAIN, CONGENITAL, WITH ANHIDROSIS. Identifiers: Orphanet 642, MedGen C0020074, MONDO:0009746, OMIM 256800.

Allele frequency attached by ClinVar (database versions not stated): TOPMed below 0.00001; gnomAD exomes 0.00001; ExAC 0.00002.
gnomAD v4.1: 10 of 1,614,022 alleles (0.00062%); highest among the groups gnomAD compares: Non-Finnish European, 0.00085%; no homozygotes.

Submission:

Labcorp Genetics (formerly Invitae), Labcorp
Classification: Uncertain significance for Hereditary insensitivity to pain with anhidrosis. Last evaluated: 2022-05-27. Review status: criteria provided, single submitter. Criteria: Invitae Variant Classification Sherloc (09022015). Collection method: clinical testing. Allele origin: germline.
Comment: This sequence change affects codon 96 of the NTRK1 mRNA. It is a 'silent' change, meaning that it does not change the encoded amino acid sequence of the NTRK1 protein. It affects a nucleotide within the consensus splice site. This variant is present in population databases (rs777518927, gnomAD 0.002%). This variant has not been reported in the literature in individuals affected with NTRK1-related conditions. Algorithms developed to predict the effect of sequence changes on RNA splicing suggest that this variant is not likely to affect RNA splicing. In summary, the available evidence is currently insufficient to determine the role of this variant in disease. Therefore, it has been classified as a Variant of Uncertain Significance.